The following is an entry in ClinVar:

ClinVar aggregate classification (germline): Pathogenic (1 of 4 stars; one submission).

Conditions:
Tuberous sclerosis 2 (TSC2). Identifiers: Orphanet 805, MedGen C1860707, MONDO:0013199, OMIM 613254.

Submission:

Labcorp Genetics (formerly Invitae), Labcorp
Classification: Pathogenic for Tuberous sclerosis 2. Last evaluated: 2017-11-30. Review status: criteria provided, single submitter. Criteria: Invitae Variant Classification Sherloc (09022015). Collection method: clinical testing. Allele origin: germline.
Comment: A gross deletion of the genomic region encompassing the full coding sequence of the TSC2 gene has been identified. The boundaries of this event are unknown as the deletion extends beyond the assayed region for this gene and therefore may encompass additional genes. Loss-of-function variants in TSC2 are known to be pathogenic. This particular variant has been reported in the literature in individuals affected with tuberous sclerosis complex (PMID: 17287951, 16114042). For these reasons, this variant has been classified as Pathogenic.

Literature cited by the submitters: PubMed 17287951; PubMed 16114042.

NC_000016.10:g.(?_2048610)_(2088616_?)del

Gene: TSC2 (TSC complex subunit 2; plus strand). Cytogenetic location: 16p13.3.
Variant type: Deletion.
Identifiers: ClinVar variation 536113 (VCV000536113.1).